The following is an entry in ClinVar:

NM_018325.5(C9orf72):c.*248T>C

Gene: C9orf72 (C9orf72-SMCR8 complex subunit; minus strand). Cytogenetic location: 9p21.2.
Variant type: single nucleotide variant.
Coding change: c.*248T>C on transcript NM_018325.5 (MANE Select); 248 bases downstream of the stop codon, T replaced by C.
Molecular consequence: 3 prime UTR variant.
Genome position (GRCh38, 1-based): chr9:27,547,988, A>G on the plus strand (T>C on the coding strand, the complement: C9orf72 is on the minus strand). VCF-style: chr9-27547988-A-G. GRCh37 (hg19) VCF-style: chr9-27547986-A-G.
Other names: c.*248T>C (NM_001256054.3).
Identifiers: ClinVar variation 366502 (VCV000366502.6), dbSNP rs73440933, ClinGen allele CA10629881.
Genomic context (GRCh38, chr9:27,547,988, plus strand): 5'-AAAAAACAGTAGTTGTGGTCAAGTTTACATCCTATTATTATATCTTTAAAAGATAGCAAT[A>G]ATATTTATTATATTGTAAACATAGGTCTGTATCCCAAAAGCATAAATCTAGGAAAAGAGA-3'

ClinVar aggregate classification (germline): Benign. Review status: criteria provided, multiple submitters, no conflicts (2 of 4 stars). 2 submissions from 2 submitters: Benign (2). Last evaluated 2018-01-12.

Conditions:
Frontotemporal dementia and/or amyotrophic lateral sclerosis 1 (FTDALS1). Also called: Frontotemporal dementia with motor neuron disease 1; C9orf72 Frontotemporal Dementia and/or Amyotrophic Lateral Sclerosis. Identifiers: Orphanet 275872, MedGen C5779877, MONDO:0007105, OMIM 105550.

Allele frequency attached by ClinVar (database versions not stated): gnomAD exomes 0.02039; gnomAD 0.04455 and 0.04662; 1000 Genomes Project 0.04593; 1000 Genomes Project 30x 0.04794; TOPMed 0.04934.
gnomAD v4.1: 9,483 of 283,274 alleles (3.3%); highest among the groups gnomAD compares: African/African-American, 12%; 373 homozygotes.

Submissions (2):

Illumina Laboratory Services, Illumina
Classification: Benign for Frontotemporal dementia and/or amyotrophic lateral sclerosis 1. Last evaluated: 2018-01-12. Review status: criteria provided, single submitter. Criteria: ICSL Variant Classification Criteria 13 December 2019. Collection method: clinical testing. Allele origin: germline.
Comment: This variant was observed in the ICSL laboratory as part of a predisposition screen in an ostensibly healthy population. It had not been previously curated by ICSL or reported in the Human Gene Mutation Database (HGMD: prior to June 1st, 2018), and was therefore a candidate for classification through an automated scoring system. Utilizing variant allele frequency, disease prevalence and penetrance estimates, and inheritance mode, an automated score was calculated to assess if this variant is too frequent to cause the disease. Based on the score and internal cut-off values, a variant classified as benign is not then subjected to further curation. The score for this variant resulted in a classification of benign for this disease.

Breakthrough Genomics
Classification: Benign. Review status: criteria provided, single submitter. Criteria: ACMG Guidelines, 2015. Collection method: not provided. Allele origin: germline. Inheritance: Autosomal dominant inheritance. Affected: yes.